The following is an entry in ClinVar:

NM_001148.6(ANK2):c.6632C>T (p.Ala2211Val)

Gene: ANK2 (ankyrin 2; plus strand). Cytogenetic location: 4q26.
Variant type: single nucleotide variant.
Coding change: c.6632C>T on transcript NM_001148.6 (MANE Select); coding-DNA position 6632, C replaced by T.
Protein change: p.Ala2211Val; replaces alanine 2211 with valine.
Molecular consequence: missense variant. On other transcripts: intron variant (68).
Genome position (GRCh38, 1-based): chr4:113,355,250, C>T. VCF-style: chr4-113355250-C-T. GRCh37 (hg19) VCF-style: chr4-114276406-C-T.
Other names: c.6398C>T, p.Ala2133Val (NM_001386142.1); c.3032C>T, p.Ala1011Val (NM_001386166.1); c.6773C>T, p.Ala2258Val (NM_001386174.1); c.6749C>T, p.Ala2250Val (NM_001386175.1); c.4411+5001C>T (NM_001386186.2, NM_001386148.2); c.4213+5001C>T (NM_001354269.3); c.4291+5001C>T (NM_001386187.2); c.4252+5001C>T (NM_001386147.1); and 35 more; short protein forms A2211V, A1011V, A2133V, A2250V, A2258V.
Identifiers: ClinVar variation 581355 (VCV000581355.9), dbSNP rs567825537, ClinGen allele CA3051444.
Genomic context (GRCh38, chr4:113,355,250, plus strand): 5'-TGTCTTTACAAAGCGGTGCTTTAGATGGCAGTTCTGAAAGCCTAAAGAATGAGGGGGTAG[C>T]CGGCTCTCCGTGTGGCAGCCTGATGGAGGGGACCCCTCAGATTAGTTCAGAAGAAAGCTA-3'
Protein context (NP_001139.3, residues 2201-2221): SSESLKNEGV[Ala2211Val]GSPCGSLMEG

ClinVar aggregate classification (germline): Conflicting classifications of pathogenicity. Review status: criteria provided, conflicting classifications (1 of 4 stars). 4 submissions from 4 submitters: Uncertain significance (3); Likely benign (1). Last evaluated 2025-11-10.

Conditions:
Long QT syndrome (LQTS). Identifiers: MedGen C0023976, MeSH D008133, MONDO:0002442. Disease mechanism: loss of function. Inheritance: Various modes of inheritance.
Cardiac arrhythmia, ankyrin-B-related. Also called: ANKYRIN-B SYNDROME. Identifiers: Orphanet 101016, Orphanet 768, MedGen C1970119, MONDO:0010958, OMIM 600919.
ANK2-related disorder. Also called: ANK2-related condition.
Cardiovascular phenotype. Identifiers: MedGen CN230736.

Allele frequency attached by ClinVar (database versions not stated): ExAC 0.00001; TOPMed 0.00001; gnomAD 0.00002; gnomAD exomes 0.00002 and 0.00003.
gnomAD v4.1: 42 of 1,613,948 alleles (0.0026%); highest among the groups gnomAD compares: Non-Finnish European, 0.0035%; no homozygotes.

Submissions (4):

PreventionGenetics, part of Exact Sciences
Classification: Uncertain significance for ANK2-related condition. Last evaluated: 2025-11-10. Review status: criteria provided, single submitter. Criteria: ACMG Guidelines, 2015. Collection method: clinical testing. Allele origin: germline.
Comment: The ANK2 c.6632C>T variant is predicted to result in the amino acid substitution p.Ala2211Val. To our knowledge, this variant has not been reported in the literature. This variant is reported in 0.0035% of alleles in individuals of European (Non-Finnish) descent in gnomAD. At this time, the clinical significance of this variant is uncertain due to the absence of conclusive functional and genetic evidence.

Labcorp Genetics (formerly Invitae), Labcorp
Classification: Uncertain significance for Long QT syndrome. Last evaluated: 2022-09-12. Review status: criteria provided, single submitter. Criteria: Invitae Variant Classification Sherloc (09022015). Collection method: clinical testing. Allele origin: germline.
Comment: In summary, the available evidence is currently insufficient to determine the role of this variant in disease. Therefore, it has been classified as a Variant of Uncertain Significance. Algorithms developed to predict the effect of missense changes on protein structure and function output the following: SIFT: "Tolerated"; PolyPhen-2: "Benign"; Align-GVGD: "Class C0". The valine amino acid residue is found in multiple mammalian species, which suggests that this missense change does not adversely affect protein function. ClinVar contains an entry for this variant (Variation ID: 581355). This variant has not been reported in the literature in individuals affected with ANK2-related conditions. This variant is present in population databases (rs567825537, gnomAD 0.004%). This sequence change replaces alanine, which is neutral and non-polar, with valine, which is neutral and non-polar, at codon 2211 of the ANK2 protein (p.Ala2211Val).

Fulgent Genetics
Classification: Uncertain significance for Cardiac arrhythmia, ankyrin-B-related. Last evaluated: 2021-11-11. Review status: criteria provided, single submitter. Criteria: ACMG Guidelines, 2015. Collection method: clinical testing. Allele origin: unknown.

Ambry Genetics
Classification: Likely benign for Cardiovascular phenotype. Last evaluated: 2021-07-06. Review status: criteria provided, single submitter. Criteria: Ambry Variant Classification Scheme 2023. Collection method: clinical testing. Allele origin: germline.